The following is an entry in ClinVar:

NM_018486.3(HDAC8):c.1112-626C>T

Gene: HDAC8 (histone deacetylase 8; minus strand). Cytogenetic location: Xq13.1.
Variant type: single nucleotide variant.
Coding change: c.1112-626C>T on transcript NM_018486.3 (MANE Select); 626 bases into the intron before coding-DNA position 1112, C replaced by T.
Molecular consequence: intron variant. On other transcripts: missense variant (2).
Genome position (GRCh38, 1-based): chrX:72,330,702, G>A on the plus strand (C>T on the coding strand, the complement: HDAC8 is on the minus strand). VCF-style: chrX-72330702-G-A. GRCh37 (hg19) VCF-style: chrX-71550552-G-A.
Other names: c.1178C>T, p.Thr393Met (NM_001410725.1); c.905C>T, p.Thr302Met (NM_001410728.1); c.839-626C>T (NM_001166418.2); c.1034-626C>T (NM_001410727.1); short protein forms T302M, T393M.
Identifiers: ClinVar variation 2660911 (VCV002660911.24), dbSNP rs782459830, ClinGen allele CA331148543.

ClinVar aggregate classification (germline): Likely benign (1 of 4 stars; one submission).

Allele frequency attached by ClinVar (database versions not stated): gnomAD 0.00022; TOPMed 0.00025; 1000 Genomes Project 0.00026; 1000 Genomes Project 30x 0.00042.

Submission:

CeGaT Center for Human Genetics Tuebingen
Classification: Likely benign. Last evaluated: 2023-09-01. Review status: criteria provided, single submitter. Criteria: CeGaT Center For Human Genetics Tuebingen Variant Classification Criteria Version 2. Collection method: clinical testing. Allele origin: germline. Affected: yes. Observed: 1 variant allele.
Comment: HDAC8: BS2